The following is an entry in ClinVar:

ClinVar aggregate classification (germline): Uncertain significance (1 of 4 stars; one submission).

gnomAD v4.1: 1 of 1,494,982 alleles (0.000067%); no homozygotes.

Submission:

Labcorp Genetics (formerly Invitae), Labcorp
Classification: Uncertain significance. Last evaluated: 2022-06-30. Review status: criteria provided, single submitter. Criteria: Invitae Variant Classification Sherloc (09022015). Collection method: clinical testing. Allele origin: germline.
Comment: This sequence change replaces lysine, which is basic and polar, with glutamine, which is neutral and polar, at codon 97 of the TSEN54 protein (p.Lys97Gln). This variant is not present in population databases (gnomAD no frequency). This variant has not been reported in the literature in individuals affected with TSEN54-related conditions. Algorithms developed to predict the effect of missense changes on protein structure and function (SIFT, PolyPhen-2, Align-GVGD) all suggest that this variant is likely to be disruptive. In summary, the available evidence is currently insufficient to determine the role of this variant in disease. Therefore, it has been classified as a Variant of Uncertain Significance.

NM_207346.3(TSEN54):c.289A>C (p.Lys97Gln)

Gene: TSEN54 (tRNA splicing endonuclease subunit 54; plus strand). Cytogenetic location: 17q25.1.
Variant type: single nucleotide variant.
Coding change: c.289A>C on transcript NM_207346.3 (MANE Select); coding-DNA position 289, A replaced by C.
Protein change: p.Lys97Gln; replaces lysine 97 with glutamine.
Molecular consequence: missense variant.
Genome position (GRCh38, 1-based): chr17:75,517,164, A>C. VCF-style: chr17-75517164-A-C. GRCh37 (hg19) VCF-style: chr17-73513245-A-C.
Other names: short protein forms K97Q.
Identifiers: ClinVar variation 1975566 (VCV001975566.2), dbSNP rs2546151804, ClinGen allele CA401027409.
Genomic context (GRCh38, chr17:75,517,164, plus strand): 5'-CCTCCCTGCCCTCCCTGCCCTCCCTCCCTTGTGACACTTGCTCTGGGCCCCACACAGGGC[A>C]AATTCTGGCAGACCATGGGCTTCTCAGAGCAGGGCCGGCAGCGCCTTCACCCGGAAGAGG-3'
Protein context (NP_997229.2, residues 87-107): GFVELKSPAG[Lys97Gln]FWQTMGFSEQ